The following is an entry in ClinVar:

NM_000206.3(IL2RG):c.943A>C (p.Lys315Gln)

Gene: IL2RG (interleukin 2 receptor subunit gamma; minus strand). Cytogenetic location: Xq13.1.
Variant type: single nucleotide variant.
Coding change: c.943A>C on transcript NM_000206.3 (MANE Select); coding-DNA position 943, A replaced by C.
Protein change: p.Lys315Gln; replaces lysine 315 with glutamine.
Molecular consequence: missense variant. On other transcripts: 3 prime UTR variant (1).
Genome position (GRCh38, 1-based): chrX:71,107,903, T>G on the plus strand (A>C on the coding strand, the complement: IL2RG is on the minus strand). VCF-style: chrX-71107903-T-G. GRCh37 (hg19) VCF-style: chrX-70327753-T-G.
Other names: c.*63A>C (NM_001438870.1); short protein forms K315Q.
Identifiers: ClinVar variation 5040716 (VCV005040716.1).
Genomic context (GRCh38, chrX:71,107,903, plus strand): 5'-TCTCACTGACGAGGCAGAGTCGTTCACTGTAGTCTGGCTGCAGACTCTCAGCCAGTCCCT[T>G]AGACACACCACTCCAGGCCTAAAGACAGATATGTCCAGGTCAGGGGTCAATTAGGGGCAG-3'
Protein context (NP_000197.1, residues 305-325): GNFSAWSGVS[Lys315Gln]GLAESLQPDY

ClinVar aggregate classification (germline): Uncertain significance (1 of 4 stars; one submission).

Submission:

CeGaT Center for Human Genetics Tuebingen
Classification: Uncertain significance. Last evaluated: 2026-08-01. Review status: criteria provided, single submitter. Criteria: CeGaT Center For Human Genetics Tuebingen Variant Classification Criteria Version 2. Collection method: clinical testing. Allele origin: germline. Affected: yes. Observed: 1 variant allele.
Comment: IL2RG: PM2, BP2